The following is an entry in ClinVar:

NM_003073.5(SMARCB1):c.628+118C>T

Gene: SMARCB1 (SWI/SNF related BAF chromatin remodeling complex subunit B1; plus strand). Cytogenetic location: 22q11.23.
Variant type: single nucleotide variant.
Coding change: c.628+118C>T on transcript NM_003073.5 (MANE Select); 118 bases into the intron after coding-DNA position 628, C replaced by T.
Molecular consequence: intron variant.
Genome position (GRCh38, 1-based): chr22:23,803,540, C>T. VCF-style: chr22-23803540-C-T. GRCh37 (hg19) VCF-style: chr22-24145727-C-T.
Other names: c.682+118C>T (NM_001362877.2); c.655+118C>T (NM_001317946.2); c.601+118C>T (NM_001007468.3).
Identifiers: ClinVar variation 677098 (VCV000677098.1), dbSNP rs5760032, ClinGen allele CA14973819.

ClinVar aggregate classification (germline): Benign (1 of 4 stars; one submission).

Allele frequency attached by ClinVar (database versions not stated): 1000 Genomes Project 30x 0.60244; 1000 Genomes Project 0.60663; TOPMed 0.68496; gnomAD 0.69459 and 0.69741; gnomAD exomes 0.76636.
gnomAD v4.1: 873,189 of 1,155,022 alleles (76%); highest among the groups gnomAD compares: Non-Finnish European, 80%; 335,966 homozygotes.

Submission:

GeneDx
Classification: Benign. Last evaluated: 2018-06-15. Review status: criteria provided, single submitter. Criteria: GeneDx Variant Classification (06012015). Collection method: clinical testing. Allele origin: germline. Affected: yes.
Comment: This variant is considered likely benign or benign based on one or more of the following criteria: it is a conservative change, it occurs at a poorly conserved position in the protein, it is predicted to be benign by multiple in silico algorithms, and/or has population frequency not consistent with disease.